The following is an entry in ClinVar:

ClinVar aggregate classification (germline): Uncertain significance. Review status: criteria provided, multiple submitters, no conflicts (2 of 4 stars). 2 submissions from 2 submitters: Uncertain significance (2). Last evaluated 2026-05-08.

Conditions:
Dilated cardiomyopathy 1G (CMD1G). Identifiers: Orphanet 154, MedGen C1858763, MONDO:0011400, OMIM 604145.
Autosomal recessive limb-girdle muscular dystrophy type 2J (LGMDR10). Also called: Limb-girdle muscular dystrophy, type 2J; MUSCULAR DYSTROPHY, LIMB-GIRDLE, AUTOSOMAL RECESSIVE 10. Identifiers: Orphanet 140922, MedGen C1837342, MONDO:0012127, OMIM 608807.

Allele frequency attached by ClinVar (database versions not stated): gnomAD exomes 0.00001; TOPMed 0.00001; gnomAD 0.00002.
gnomAD v4.1: 24 of 1,613,512 alleles (0.0015%); highest among the groups gnomAD compares: Non-Finnish European, 0.002%; no homozygotes.

Submissions (2):

Women's Health and Genetics/Laboratory Corporation of America, LabCorp
Classification: Uncertain significance. Last evaluated: 2026-05-08. Review status: criteria provided, single submitter. Criteria: LabCorp Variant Classification Summary - May 2015. Collection method: clinical testing. Allele origin: germline.
Comment: Variant summary: TTN c.93172G>A (p.Val31058Met) results in a conservative amino acid change in the encoded protein sequence. Algorithms developed to predict the effect of missense changes on protein structure and function are either unavailable or do not agree on the potential impact of this missense change. The variant was absent in 248688 control chromosomes. The available data on variant occurrences in the general population are insufficient to allow any conclusion about variant significance. To our knowledge, no occurrence of c.93172G>A in individuals affected with TTN-related conditions and no experimental evidence demonstrating its impact on protein function have been reported. ClinVar contains an entry for this variant (Variation ID: 1052589). Based on the evidence outlined above, the variant was classified as uncertain significance.

Labcorp Genetics (formerly Invitae), Labcorp
Classification: Uncertain significance for Dilated cardiomyopathy 1G; Autosomal recessive limb-girdle muscular dystrophy type 2J. Last evaluated: 2024-11-24. Review status: criteria provided, single submitter. Criteria: Invitae Variant Classification Sherloc (09022015). Collection method: clinical testing. Allele origin: germline.
Comment: This sequence change replaces valine, which is neutral and non-polar, with methionine, which is neutral and non-polar, at codon 33626 of the TTN protein (p.Val33626Met). This variant is not present in population databases (gnomAD no frequency). This variant has not been reported in the literature in individuals affected with TTN-related conditions. ClinVar contains an entry for this variant (Variation ID: 1052589). Experimental studies and prediction algorithms are not available or were not evaluated, and the functional significance of this variant is currently unknown. This variant is located in the M band of TTN (PMID: 25589632). Non-truncating variants in this region may be relevant for neuromuscular disorders, but have not been definitively shown to cause cardiomyopathy (PMID: 23975875). In summary, the available evidence is currently insufficient to determine the role of this variant in disease. Therefore, it has been classified as a Variant of Uncertain Significance.

Literature cited by the submitters: PubMed 25589632 (cited by Labcorp Genetics (formerly Invitae), Labcorp); PubMed 23975875 (cited by Labcorp Genetics (formerly Invitae), Labcorp).

NM_001267550.2(TTN):c.100876G>A (p.Val33626Met)

Genes: TTN (titin; minus strand), TTN-AS1 (TTN antisense RNA 1; plus strand). Cytogenetic location: 2q31.2.
Variant type: single nucleotide variant.
Coding change: c.100876G>A on transcript NM_001267550.2 (MANE Select); coding-DNA position 100876, G replaced by A.
Protein change: p.Val33626Met; replaces valine 33626 with methionine.
Molecular consequence: missense variant. On other transcripts: non-coding transcript variant (1).
Genome position (GRCh38, 1-based): chr2:178,535,739, C>T on the plus strand (G>A on the coding strand, the complement: TTN is on the minus strand). VCF-style: chr2-178535739-C-T. GRCh37 (hg19) VCF-style: chr2-179400466-C-T.
Other names: c.95953G>A, p.Val31985Met (NM_001256850.1); c.73681G>A, p.Val24561Met (NM_003319.4); c.93172G>A, p.Val31058Met (NM_133378.4); c.74056G>A, p.Val24686Met (NM_133432.3); c.74257G>A, p.Val24753Met (NM_133437.4); short protein forms V24561M, V24686M, V24753M, V31058M, V31985M, V33626M.
Identifiers: ClinVar variation 1052589 (VCV001052589.9), dbSNP rs1222398324, ClinGen allele CA349422627.